The following is an entry in ClinVar:

ClinVar aggregate classification (germline): Likely benign (0 of 4 stars; one submission).

Conditions:
CX3CR1-related disorder. Also called: CX3CR1-related condition.

Allele frequency attached by ClinVar (database versions not stated): TOPMed 0.00007; gnomAD 0.00014; 1000 Genomes Project 30x 0.00031; 1000 Genomes Project 0.00040.
gnomAD v4.1: 378 of 1,614,172 alleles (0.023%); highest among the groups gnomAD compares: South Asian, 0.33%; 7 homozygotes.

Submission:

PreventionGenetics, part of Exact Sciences
Classification: Likely benign for CX3CR1-related condition. Last evaluated: 2022-03-21. Review status: no assertion criteria provided. Collection method: clinical testing. Allele origin: germline.
Comment: This variant is classified as likely benign based on ACMG/AMP sequence variant interpretation guidelines (Richards et al. 2015 PMID: 25741868, with internal and published modifications).

NM_001337.4(CX3CR1):c.571C>T (p.Arg191Cys)

Gene: CX3CR1 (C-X3-C motif chemokine receptor 1; minus strand). Cytogenetic location: 3p22.2.
Variant type: single nucleotide variant.
Coding change: c.571C>T on transcript NM_001337.4 (MANE Select); coding-DNA position 571, C replaced by T.
Protein change: p.Arg191Cys; replaces arginine 191 with cysteine.
Molecular consequence: missense variant.
Genome position (GRCh38, 1-based): chr3:39,265,939, G>A on the plus strand (C>T on the coding strand, the complement: CX3CR1 is on the minus strand). VCF-style: chr3-39265939-G-A. GRCh37 (hg19) VCF-style: chr3-39307430-G-A.
Other names: c.571C>T, p.Arg191Cys (NM_001171171.2, NM_001171172.2); c.667C>T, p.Arg223Cys (NM_001171174.1); short protein forms R191C, R223C.
Identifiers: ClinVar variation 3058556 (VCV003058556.2), dbSNP rs200607201, ClinGen allele CA2326931.